The following is an entry in ClinVar:

NM_001170738.2(IQSEC3):c.3078C>T (p.Ala1026=)

Genes: IQSEC3 (IQ motif and Sec7 domain ArfGEF 3; plus strand), IQSEC3-AS1 (IQSEC3 antisense RNA 1; minus strand). Cytogenetic location: 12p13.33.
Variant type: single nucleotide variant.
Coding change: c.3078C>T on transcript NM_001170738.2 (MANE Select); coding-DNA position 3078, C replaced by T.
Protein change: p.Ala1026=; no amino-acid change (alanine 1026 retained).
Molecular consequence: synonymous variant.
Genome position (GRCh38, 1-based): chr12:171,125, C>T. VCF-style: chr12-171125-C-T. GRCh37 (hg19) VCF-style: chr12-280291-C-T.
Other names: c.2169C>T, p.Ala723= (NM_015232.2).
Identifiers: ClinVar variation 2642558 (VCV002642558.24), dbSNP rs151163146, ClinGen allele CA6376818.

ClinVar aggregate classification (germline): Likely benign (1 of 4 stars; one submission).

Allele frequency attached by ClinVar (database versions not stated): 1000 Genomes Project 0.00040; 1000 Genomes Project 30x 0.00062; gnomAD 0.00084; ESP Exome Variant Server 0.00085; TOPMed 0.00097; ExAC 0.00098.
gnomAD v4.1: 1,458 of 1,614,018 alleles (0.09%); highest among the groups gnomAD compares: Non-Finnish European, 0.082%; 2 homozygotes.

Submission:

CeGaT Center for Human Genetics Tuebingen
Classification: Likely benign. Last evaluated: 2022-04-01. Review status: criteria provided, single submitter. Criteria: CeGaT Center For Human Genetics Tuebingen Variant Classification Criteria Version 2. Collection method: clinical testing. Allele origin: germline. Affected: yes. Observed: 1 variant allele.
Comment: IQSEC3: BP4, BP7